The following is an entry in ClinVar:

NM_014361.4(CNTN5):c.1848C>T (p.Phe616=)

Gene: CNTN5 (contactin 5; plus strand). Cytogenetic location: 11q22.1.
Variant type: single nucleotide variant.
Coding change: c.1848C>T on transcript NM_014361.4 (MANE Select); coding-DNA position 1848, C replaced by T.
Protein change: p.Phe616=; no amino-acid change (phenylalanine 616 retained).
Molecular consequence: synonymous variant.
Genome position (GRCh38, 1-based): chr11:100,193,627, C>T. VCF-style: chr11-100193627-C-T. GRCh37 (hg19) VCF-style: chr11-100064359-C-T.
Other names: c.1848C>T, p.Phe616= (NM_001243270.2, NM_001243271.2); c.1626C>T, p.Phe542= (NM_175566.2).
Identifiers: ClinVar variation 3047088 (VCV003047088.2), dbSNP rs778265126, ClinGen allele CA6242566.

ClinVar aggregate classification (germline): Likely benign (0 of 4 stars; one submission).

Conditions:
CNTN5-related disorder. Also called: CNTN5-related condition.

Allele frequency attached by ClinVar (database versions not stated): gnomAD exomes 0.00005; gnomAD 0.00006; TOPMed 0.00008; ExAC 0.00015.
gnomAD v4.1: 82 of 1,611,500 alleles (0.0051%); highest among the groups gnomAD compares: East Asian, 0.098%; no homozygotes.

Submission:

PreventionGenetics, part of Exact Sciences
Classification: Likely benign for CNTN5-related condition. Last evaluated: 2019-02-21. Review status: no assertion criteria provided. Collection method: clinical testing. Allele origin: germline.
Comment: This variant is classified as likely benign based on ACMG/AMP sequence variant interpretation guidelines (Richards et al. 2015 PMID: 25741868, with internal and published modifications).